The following is an entry in ClinVar:

NM_002296.4(LBR):c.1580A>G (p.His527Arg)

Gene: LBR (lamin B receptor; minus strand). Cytogenetic location: 1q42.12.
Variant type: single nucleotide variant.
Coding change: c.1580A>G on transcript NM_002296.4 (MANE Select); coding-DNA position 1580, A replaced by G.
Protein change: p.His527Arg; replaces histidine 527 with arginine.
Molecular consequence: missense variant.
Genome position (GRCh38, 1-based): chr1:225,404,511, T>C on the plus strand (A>G on the coding strand, the complement: LBR is on the minus strand). VCF-style: chr1-225404511-T-C. GRCh37 (hg19) VCF-style: chr1-225592213-T-C.
Other names: c.1580A>G, p.His527Arg (NM_194442.3); short protein forms H527R.
Identifiers: ClinVar variation 3700673 (VCV003700673.2).

ClinVar aggregate classification (germline): Uncertain significance (1 of 4 stars; one submission).

gnomAD v4.1: 1 of 1,611,702 alleles (0.000062%); highest among the groups gnomAD compares: Non-Finnish European, 0.000085%; no homozygotes.

Submission:

Labcorp Genetics (formerly Invitae), Labcorp
Classification: Uncertain significance. Last evaluated: 2024-12-04. Review status: criteria provided, single submitter. Criteria: Invitae Variant Classification Sherloc (09022015). Collection method: clinical testing. Allele origin: germline.
Comment: This sequence change replaces histidine, which is basic and polar, with arginine, which is basic and polar, at codon 527 of the LBR protein (p.His527Arg). This variant is not present in population databases (gnomAD no frequency). This variant has not been reported in the literature in individuals affected with LBR-related conditions. Invitae Evidence Modeling of protein sequence and biophysical properties (such as structural, functional, and spatial information, amino acid conservation, physicochemical variation, residue mobility, and thermodynamic stability) indicates that this missense variant is not expected to disrupt LBR protein function with a negative predictive value of 80%. In summary, the available evidence is currently insufficient to determine the role of this variant in disease. Therefore, it has been classified as a Variant of Uncertain Significance.